The following is an entry in ClinVar:

ClinVar aggregate classification (germline): Conflicting classifications of pathogenicity. Review status: criteria provided, conflicting classifications (1 of 4 stars). 4 submissions from 4 submitters: Uncertain significance (2); Likely benign (1). 1 of the submissions does not count toward it. Last evaluated 2025-04-23.

Conditions:
Hereditary cancer-predisposing syndrome. Also called: Neoplastic Syndromes, Hereditary; Hereditary Cancer Syndrome; Tumor predisposition; Hereditary neoplastic syndrome. Identifiers: Orphanet 140162, MedGen C0027672, MeSH D009386, MONDO:0015356.
Bloom syndrome (BLM). Also called: Bloom-Torre-Machacek syndrome. Identifiers: Orphanet 125, MedGen C0005859, MONDO:0008876, OMIM 210900.

Allele frequency attached by ClinVar (database versions not stated): TOPMed below 0.00001; gnomAD exomes 0.00001.
gnomAD v4.1: 5 of 1,614,136 alleles (0.00031%); highest among the groups gnomAD compares: Non-Finnish European, 0.00042%; no homozygotes.

Submissions (4):

Labcorp Genetics (formerly Invitae), Labcorp
Classification: Uncertain significance for Bloom syndrome. Last evaluated: 2025-04-23. Review status: criteria provided, single submitter. Criteria: Invitae Variant Classification Sherloc (09022015). Collection method: clinical testing. Allele origin: germline.
Comment: This sequence change replaces proline, which is neutral and non-polar, with serine, which is neutral and polar, at codon 94 of the BLM protein (p.Pro94Ser). This variant is not present in population databases (gnomAD no frequency). This variant has not been reported in the literature in individuals affected with BLM-related conditions. ClinVar contains an entry for this variant (Variation ID: 582254). An algorithm developed to predict the effect of missense changes on protein structure and function outputs the following: PolyPhen-2: "Benign". The serine amino acid residue is found in multiple mammalian species, which suggests that this missense change does not adversely affect protein function. In summary, the available evidence is currently insufficient to determine the role of this variant in disease. Therefore, it has been classified as a Variant of Uncertain Significance.

GeneDx
Classification: Uncertain significance. Last evaluated: 2024-10-25. Review status: criteria provided, single submitter. Criteria: GeneDx Variant Classification Process June 2021. Collection method: clinical testing. Allele origin: germline. Affected: yes.
Comment: Not observed at significant frequency in large population cohorts (gnomAD); In silico analysis indicates that this missense variant does not alter protein structure/function; Has not been previously published as pathogenic or benign to our knowledge

Ambry Genetics
Classification: Likely benign for Hereditary cancer-predisposing syndrome. Last evaluated: 2024-03-14. Review status: criteria provided, single submitter. Criteria: Ambry Variant Classification Scheme 2023. Collection method: clinical testing. Allele origin: germline.

Natera, Inc.
Classification: Uncertain significance for Bloom syndrome. Last evaluated: 2025-03-14. Review status: no assertion criteria provided. Collection method: clinical testing. Allele origin: germline. Not counted in ClinVar's aggregate classification.

NM_000057.4(BLM):c.280C>T (p.Pro94Ser)

Gene: BLM (BLM RecQ like helicase; plus strand). Cytogenetic location: 15q26.1.
Variant type: single nucleotide variant.
Coding change: c.280C>T on transcript NM_000057.4 (MANE Select); coding-DNA position 280, C replaced by T.
Protein change: p.Pro94Ser; replaces proline 94 with serine.
Molecular consequence: missense variant. On other transcripts: 5 prime UTR variant (1).
Genome position (GRCh38, 1-based): chr15:90,749,548, C>T. VCF-style: chr15-90749548-C-T. GRCh37 (hg19) VCF-style: chr15-91292778-C-T.
Other names: c.280C>T, p.Pro94Ser (NM_001287246.2, NM_001287247.2); c.-1012C>T (NM_001287248.2); short protein forms P94S.
Identifiers: ClinVar variation 582254 (VCV000582254.12), dbSNP rs1417089374, ClinGen allele CA393840118.